The following is an entry in ClinVar:

ClinVar aggregate classification (germline): Uncertain significance (1 of 4 stars; one submission).

Conditions:
Epilepsy, familial focal, with variable foci 3 (FFEVF3). Identifiers: MedGen C4310708, MONDO:0014925, OMIM 617118.

Submission:

Labcorp Genetics (formerly Invitae), Labcorp
Classification: Uncertain significance for Epilepsy, familial focal, with variable foci 3. Last evaluated: 2021-11-24. Review status: criteria provided, single submitter. Criteria: Invitae Variant Classification Sherloc (09022015). Collection method: clinical testing. Allele origin: germline.
Comment: This variant is not present in population databases (gnomAD no frequency). In summary, the available evidence is currently insufficient to determine the role of this variant in disease. Therefore, it has been classified as a Variant of Uncertain Significance. This variant disrupts a region of the NPRL3 protein in which other variant(s) (p.Tyr519*) have been observed in individuals with NPRL3-related conditions (PMID: 30093711). This suggests that this is a clinically significant region of the protein, and that variants that disrupt it are likely to be disease-causing. Experimental studies and prediction algorithms are not available or were not evaluated, and the functional significance of this variant is currently unknown. This variant has not been reported in the literature in individuals affected with NPRL3-related conditions. This sequence change results in a frameshift in the NPRL3 gene (p.His556Thrfs*49). While this is not anticipated to result in nonsense mediated decay, it is expected to disrupt the last 14 amino acid(s) of the NPRL3 protein and extend the protein by 34 additional amino acid residues.

Literature cited by the submitters: PubMed 30093711.

NM_001077350.3(NPRL3):c.1666del (p.His556fs)

Gene: NPRL3 (NPR3 like, GATOR1 complex subunit; minus strand). Cytogenetic location: 16p13.3.
Variant type: Deletion.
Coding change: c.1666del on transcript NM_001077350.3 (MANE Select); coding-DNA position 1666, one base deleted (C; older notation c.1666delC).
Protein change: p.His556fs; shifts the reading frame from histidine 556.
Molecular consequence: frameshift variant.
Genome position (GRCh38, 1-based): chr16:86,749, G deleted on the plus strand (C on the coding strand, the reverse complement: NPRL3 is on the minus strand); the first of 3 consecutive G bases (chr16:86,749-86,751); deleting any one gives the same sequence. VCF-style (leftmost placement, unchanged base first): chr16-86748-TG-T. GRCh37 (hg19) VCF-style: chr16-136747-TG-T.
Other names: c.1129del, p.His377fs (NM_001039476.3); c.1432del, p.His478fs (NM_001243247.2); c.1591del, p.His531fs (NM_001243248.2, NM_001243249.2); short protein forms H377fs, H556fs, H478fs, H531fs.
Identifiers: ClinVar variation 1517652 (VCV001517652.6), dbSNP rs2141894715, ClinGen allele CA2573151919.
Genomic context (GRCh38, chr16:86,748, plus strand): 5'-CCGCCCTCCGCCTGGGCTCAGGGGAGCAGAGCCTGGAAGACGGCAATGACAGGGTCCTCG[TG>T]GGTGGTCACCACCAGCACGCTGCGGAACTTGTCAAACAGCATGAGCAGCTGGGAGCGCCG-3'